The following is an entry in ClinVar:

ClinVar aggregate classification (germline): Uncertain significance (1 of 4 stars; one submission).

Conditions:
Familial adenomatous polyposis 1 (FAP1). Also called: FAMILIAL ADENOMATOUS POLYPOSIS 1, ATTENUATED; POLYPOSIS, ADENOMATOUS INTESTINAL. Identifiers: MedGen C2713442, MONDO:0021056, OMIM 175100. Disease mechanism: loss of function.

Submission:

Labcorp Genetics (formerly Invitae), Labcorp
Classification: Uncertain significance for Familial adenomatous polyposis 1. Last evaluated: 2024-12-19. Review status: criteria provided, single submitter. Criteria: Invitae Variant Classification Sherloc (09022015). Collection method: clinical testing. Allele origin: germline.
Comment: This variant occurs in a non-coding region of the APC gene. It does not change the encoded amino acid sequence of the APC protein. This variant is not present in population databases (gnomAD no frequency). This variant has not been reported in the literature in individuals affected with APC-related conditions. Experimental studies and prediction algorithms are not available or were not evaluated, and the functional significance of this variant is currently unknown. In summary, the available evidence is currently insufficient to determine the role of this variant in disease. Therefore, it has been classified as a Variant of Uncertain Significance.

NM_001127511.3(APC):c.53C>G (p.Pro18Arg)

Gene: APC (APC regulator of Wnt signaling pathway; plus strand). Cytogenetic location: 5q22.2.
Variant type: single nucleotide variant.
Coding change: c.53C>G on transcript NM_001127511.3; coding-DNA position 53, C replaced by G.
Protein change: p.Pro18Arg; replaces proline 18 with arginine.
Molecular consequence: missense variant. On other transcripts: 5 prime UTR variant (8), non-coding transcript variant (1), intron variant (5).
Genome position (GRCh38, 1-based): chr5:112,707,770, C>G. VCF-style: chr5-112707770-C-G. GRCh37 (hg19) VCF-style: chr5-112043467-C-G.
Other names: c.-131C>G (NM_001354895.2, NM_001407447.1, NM_001407452.1 and 3 more transcripts); c.53C>G, p.Pro18Arg (NM_001354897.2, NM_001354902.2, NM_001407446.1); c.-1166C>G (NM_001407470.1, NM_001407472.1); c.-19+121C>G (NM_001407448.1, NM_001407450.1, NM_001407457.1 and 1 more transcripts); c.-43+121C>G (NM_001407453.1); short protein forms P18R.
Identifiers: ClinVar variation 1021661 (VCV001021661.9), dbSNP rs1265754890, ClinGen allele CA360611788.